The following is an entry in ClinVar:

ClinVar aggregate classification (germline): Uncertain significance (1 of 4 stars; one submission).

Conditions:
Intellectual developmental disorder, autosomal dominant 1. Also called: MBD5 Haploinsufficiency; Intellectual disability, autosomal dominant 1. Identifiers: Orphanet 228402, MedGen C1969562, MONDO:0007974, OMIM 156200.

Submission:

Labcorp Genetics (formerly Invitae), Labcorp
Classification: Uncertain significance for Intellectual developmental disorder, autosomal dominant 1. Last evaluated: 2025-03-03. Review status: criteria provided, single submitter. Criteria: Invitae Variant Classification Sherloc (09022015). Collection method: clinical testing. Allele origin: germline.
Comment: This sequence change replaces glutamine, which is neutral and polar, with glutamic acid, which is acidic and polar, at codon 1053 of the MBD5 protein (p.Gln1053Glu). This variant is not present in population databases (gnomAD no frequency). This variant has not been reported in the literature in individuals affected with MBD5-related conditions. ClinVar contains an entry for this variant (Variation ID: 2788203). Invitae Evidence Modeling of protein sequence and biophysical properties (such as structural, functional, and spatial information, amino acid conservation, physicochemical variation, residue mobility, and thermodynamic stability) indicates that this missense variant is not expected to disrupt MBD5 protein function with a negative predictive value of 80%. In summary, the available evidence is currently insufficient to determine the role of this variant in disease. Therefore, it has been classified as a Variant of Uncertain Significance.

NM_001378120.1(MBD5):c.3856C>G (p.Gln1286Glu)

Gene: MBD5 (methyl-CpG binding domain protein 5; plus strand). Cytogenetic location: 2q23.1.
Variant type: single nucleotide variant.
Coding change: c.3856C>G on transcript NM_001378120.1 (MANE Select); coding-DNA position 3856, C replaced by G.
Protein change: p.Gln1286Glu; replaces glutamine 1286 with glutamic acid.
Molecular consequence: missense variant.
Genome position (GRCh38, 1-based): chr2:148,489,488, C>G. VCF-style: chr2-148489488-C-G. GRCh37 (hg19) VCF-style: chr2-149247057-C-G.
Other names: c.3157C>G, p.Gln1053Glu (NM_018328.5); short protein forms Q1053E, Q1286E.
Identifiers: ClinVar variation 2788203 (VCV002788203.3), dbSNP rs2470020419, ClinGen allele CA348725331.
Genomic context (GRCh38, chr2:148,489,488, plus strand): 5'-AGCACTCAGCCTGGGCTCACAGCACTTCCTGAGAATCCAAACACTACACTTCCACCTTTT[C>G]AAGATACACCTTGTGAGTTGCAACCGAGGATTGACCCATCTCTTGGTCAACAGGTGAAGG-3'
Protein context (NP_001365049.1, residues 1276-1296): ENPNTTLPPF[Gln1286Glu]DTPCELQPRI